The following is an entry in ClinVar:

NM_002472.3(MYH8):c.4786G>A (p.Val1596Ile)

Genes: MYH8 (myosin heavy chain 8; minus strand), MYHAS (myosin heavy chain gene cluster antisense RNA; plus strand). Cytogenetic location: 17p13.1.
Variant type: single nucleotide variant.
Coding change: c.4786G>A on transcript NM_002472.3 (MANE Select); coding-DNA position 4786, G replaced by A.
Protein change: p.Val1596Ile; replaces valine 1596 with isoleucine.
Molecular consequence: missense variant.
Genome position (GRCh38, 1-based): chr17:10,395,309, C>T on the plus strand (G>A on the coding strand, the complement: MYH8 is on the minus strand). VCF-style: chr17-10395309-C-T. GRCh37 (hg19) VCF-style: chr17-10298626-C-T.
Other names: short protein forms V1596I.
Identifiers: ClinVar variation 750351 (VCV000750351.10), dbSNP rs61730807, ClinGen allele CA8387203.

ClinVar aggregate classification (germline): Conflicting classifications of pathogenicity. Review status: criteria provided, conflicting classifications (1 of 4 stars). 5 submissions from 5 submitters: Uncertain significance (1); Likely benign (3). 1 of the submissions does not count toward it. Last evaluated 2024-11-25.

Conditions:
MYH8-related disorder. Also called: MYH8-related condition.

Allele frequency attached by ClinVar (database versions not stated): 1000 Genomes Project 30x 0.00016; 1000 Genomes Project 0.00020; gnomAD 0.00052 and 0.00055; TOPMed 0.00060; ESP Exome Variant Server 0.00123.
gnomAD v4.1: 1,414 of 1,614,184 alleles (0.088%); highest among the groups gnomAD compares: Middle Eastern, 0.26%; 4 homozygotes.

Submissions (5):

Blueprint Genetics
Classification: Likely benign. Last evaluated: 2024-11-25. Review status: criteria provided, single submitter. Criteria: ACMG Guidelines, 2015. Collection method: clinical testing. Allele origin: germline.

Ambry Genetics
Classification: Uncertain significance. Last evaluated: 2022-01-26. Review status: criteria provided, single submitter. Criteria: Ambry Variant Classification Scheme 2023. Collection method: clinical testing. Allele origin: germline.

Labcorp Genetics (formerly Invitae), Labcorp
Classification: Likely benign. Last evaluated: 2019-12-31. Review status: criteria provided, single submitter. Criteria: Invitae Variant Classification Sherloc (09022015). Collection method: clinical testing. Allele origin: germline.

Breakthrough Genomics
Classification: Likely benign. Review status: criteria provided, single submitter. Criteria: ACMG Guidelines, 2015. Collection method: not provided. Allele origin: germline. Inheritance: Autosomal dominant inheritance. Affected: yes.

PreventionGenetics, part of Exact Sciences
Classification: Uncertain significance for MYH8-related condition. Last evaluated: 2024-08-30. Review status: no assertion criteria provided. Collection method: clinical testing. Allele origin: germline. Not counted in ClinVar's aggregate classification.
Comment: The MYH8 c.4786G>A variant is predicted to result in the amino acid substitution p.Val1596Ile. To our knowledge, this variant has not been reported in the literature. This variant is reported in 0.14% of alleles in individuals of South Asian descent in gnomAD. Although we suspect that this variant may be benign, at this time, the clinical significance of this variant is uncertain due to the absence of conclusive functional and genetic evidence.